The following is an entry in ClinVar:

NM_024589.3(ROGDI):c.318G>C (p.Lys106Asn)

Gene: ROGDI (rogdi atypical leucine zipper; minus strand). Cytogenetic location: 16p13.3.
Variant type: single nucleotide variant.
Coding change: c.318G>C on transcript NM_024589.3 (MANE Select); coding-DNA position 318, G replaced by C.
Protein change: p.Lys106Asn; replaces lysine 106 with asparagine.
Molecular consequence: missense variant. On other transcripts: non-coding transcript variant (1).
Genome position (GRCh38, 1-based): chr16:4,800,516, C>G on the plus strand (G>C on the coding strand, the complement: ROGDI is on the minus strand). VCF-style: chr16-4800516-C-G. GRCh37 (hg19) VCF-style: chr16-4850517-C-G.
Other names: short protein forms K106N.
Identifiers: ClinVar variation 1061523 (VCV001061523.6), dbSNP rs1239643038, ClinGen allele CA394654054.

ClinVar aggregate classification (germline): Uncertain significance (1 of 4 stars; one submission).

Conditions:
Amelocerebrohypohidrotic syndrome (KTZS). Also called: EPILEPSY AND YELLOW TEETH; EPILEPSY, DEMENTIA, AND AMELOGENESIS IMPERFECTA; KOHLSCHUTTER SYNDROME; Kohlschutter's syndrome. Identifiers: Orphanet 1946, MedGen C0406740, MONDO:0009185, OMIM 226750.

Allele frequency attached by ClinVar (database versions not stated): gnomAD exomes 0.00001.
gnomAD v4.1: 30 of 1,558,866 alleles (0.0019%); highest among the groups gnomAD compares: Non-Finnish European, 0.0025%; no homozygotes.

Submission:

Labcorp Genetics (formerly Invitae), Labcorp
Classification: Uncertain significance for Amelocerebrohypohidrotic syndrome. Last evaluated: 2022-09-26. Review status: criteria provided, single submitter. Criteria: Invitae Variant Classification Sherloc (09022015). Collection method: clinical testing. Allele origin: germline.
Comment: This sequence change replaces lysine, which is basic and polar, with asparagine, which is neutral and polar, at codon 106 of the ROGDI protein (p.Lys106Asn). This variant is present in population databases (no rsID available, gnomAD 0.003%). This variant has not been reported in the literature in individuals affected with ROGDI-related conditions. ClinVar contains an entry for this variant (Variation ID: 1061523). Algorithms developed to predict the effect of missense changes on protein structure and function are either unavailable or do not agree on the potential impact of this missense change (SIFT: "Tolerated"; PolyPhen-2: "Probably Damaging"; Align-GVGD: "Class C0"). In summary, the available evidence is currently insufficient to determine the role of this variant in disease. Therefore, it has been classified as a Variant of Uncertain Significance.